The following is an entry in ClinVar:

NM_003098.3(SNTA1):c.1021G>A (p.Ala341Thr)

Gene: SNTA1 (syntrophin alpha 1; minus strand). Cytogenetic location: 20q11.21.
Variant type: single nucleotide variant.
Coding change: c.1021G>A on transcript NM_003098.3 (MANE Select); coding-DNA position 1021, G replaced by A.
Protein change: p.Ala341Thr; replaces alanine 341 with threonine.
Molecular consequence: missense variant.
Genome position (GRCh38, 1-based): chr20:33,412,315, C>T on the plus strand (G>A on the coding strand, the complement: SNTA1 is on the minus strand). VCF-style: chr20-33412315-C-T. GRCh37 (hg19) VCF-style: chr20-32000121-C-T.
Other names: short protein forms A341T.
Identifiers: ClinVar variation 579200 (VCV000579200.12), dbSNP rs754242619, ClinGen allele CA9817076.

ClinVar aggregate classification (germline): Uncertain significance. Review status: criteria provided, multiple submitters, no conflicts (2 of 4 stars). 4 submissions from 4 submitters: Uncertain significance (4). Last evaluated 2025-03-17.

Conditions:
Cardiovascular phenotype. Identifiers: MedGen CN230736.
Long QT syndrome 12 (LQT12). Identifiers: Orphanet 101016, Orphanet 768, MedGen C2751830, MONDO:0013062, OMIM 612955.
Long QT syndrome (LQTS). Identifiers: MedGen C0023976, MeSH D008133, MONDO:0002442. Disease mechanism: loss of function. Inheritance: Various modes of inheritance.

Allele frequency attached by ClinVar (database versions not stated): ExAC 0.00001; gnomAD 0.00001; gnomAD exomes 0.00001; TOPMed 0.00003.
gnomAD v4.1: 6 of 1,611,724 alleles (0.00037%); highest among the groups gnomAD compares: African/African-American, 0.008%; no homozygotes.

Submissions (4):

GeneDx
Classification: Uncertain significance. Last evaluated: 2025-03-17. Review status: criteria provided, single submitter. Criteria: GeneDx Variant Classification Process June 2021. Collection method: clinical testing. Allele origin: germline. Affected: yes.
Comment: In silico analysis indicates that this missense variant does not alter protein structure/function; Has not been previously published as pathogenic or benign to our knowledge

Labcorp Genetics (formerly Invitae), Labcorp
Classification: Uncertain significance for Long QT syndrome. Last evaluated: 2025-01-30. Review status: criteria provided, single submitter. Criteria: Invitae Variant Classification Sherloc (09022015). Collection method: clinical testing. Allele origin: germline.
Comment: This sequence change replaces alanine, which is neutral and non-polar, with threonine, which is neutral and polar, at codon 341 of the SNTA1 protein (p.Ala341Thr). This variant is present in population databases (rs754242619, gnomAD 0.01%). This variant has not been reported in the literature in individuals affected with SNTA1-related conditions. ClinVar contains an entry for this variant (Variation ID: 579200). Invitae Evidence Modeling of protein sequence and biophysical properties (such as structural, functional, and spatial information, amino acid conservation, physicochemical variation, residue mobility, and thermodynamic stability) indicates that this missense variant is not expected to disrupt SNTA1 protein function with a negative predictive value of 80%. In summary, the available evidence is currently insufficient to determine the role of this variant in disease. Therefore, it has been classified as a Variant of Uncertain Significance.

Ambry Genetics
Classification: Uncertain significance for Cardiovascular phenotype. Last evaluated: 2023-11-30. Review status: criteria provided, single submitter. Criteria: Ambry Variant Classification Scheme 2023. Collection method: clinical testing. Allele origin: germline.
Comment: The p.A341T variant (also known as c.1021G>A), located in coding exon 5 of the SNTA1 gene, results from a G to A substitution at nucleotide position 1021. The alanine at codon 341 is replaced by threonine, an amino acid with similar properties. This amino acid position is conserved. In addition, this alteration is predicted to be tolerated by in silico analysis. Since supporting evidence is limited at this time, the clinical significance of this alteration remains unclear.

Fulgent Genetics
Classification: Uncertain significance for Long QT syndrome 12. Last evaluated: 2021-08-12. Review status: criteria provided, single submitter. Criteria: ACMG Guidelines, 2015. Collection method: clinical testing. Allele origin: unknown.